The following is an entry in ClinVar:

ClinVar aggregate classification (germline): Likely pathogenic. Review status: criteria provided, multiple submitters, no conflicts (2 of 4 stars). 4 submissions from 4 submitters: Likely pathogenic (3). 1 of the submissions does not count toward it. Last evaluated 2024-06-01.

Conditions:
Muscular dystrophy-dystroglycanopathy (congenital with brain and eye anomalies), type A3. Also called: Muscular dystrophy-dystroglycanopathy (congenital with brain and eye anomalies), type A, 3; Congenital muscular dystrophy-dystroglycanopathy with brain and eye anomalies, type A3; WALKER-WARBURG SYNDROME OR MUSCLE-EYE-BRAIN DISEASE, POMGNT1-RELATED. Identifiers: MedGen C3151519, MONDO:0009667, OMIM 253280.
Autosomal recessive limb-girdle muscular dystrophy type 2O. Also called: Limb-Girdle Muscular Dystrophy Type 3C; MUSCULAR DYSTROPHY-DYSTROGLYCANOPATHY, LIMB-GIRDLE, POMGNT1-RELATED; MUSCULAR DYSTROPHY-DYSTROGLYCANOPATHY (LIMB-GIRDLE), TYPE C, 3. Identifiers: Orphanet 206564, MedGen C3150417, MONDO:0013161, OMIM 613157.
Muscular dystrophy-dystroglycanopathy (congenital with impaired intellectual development), type B, 3. Also called: Muscular dystrophy-dystroglycanopathy (congenital with intellectual disability), type B3; MUSCULAR DYSTROPHY, CONGENITAL, POMGNT1-RELATED. Identifiers: MedGen C3150412, MONDO:0013155, OMIM 613151.
Retinitis pigmentosa 76 (RP76). Identifiers: MedGen C4310704, MONDO:0014929, OMIM 617123.

Allele frequency attached by ClinVar (database versions not stated): gnomAD 0.00001; gnomAD exomes below 0.00001; TOPMed 0.00001.
gnomAD v4.1: 3 of 1,614,094 alleles (0.00019%); highest among the groups gnomAD compares: African/African-American, 0.004%; no homozygotes.

Submissions (4):

Fulgent Genetics
Classification: Likely pathogenic for Muscular dystrophy-dystroglycanopathy (congenital with brain and eye anomalies), type A3; Muscular dystrophy-dystroglycanopathy (congenital with impaired intellectual development), type B, 3; Autosomal recessive limb-girdle muscular dystrophy type 2O; Retinitis pigmentosa 76. Last evaluated: 2024-06-01. Review status: criteria provided, single submitter. Criteria: ACMG Guidelines, 2015. Collection method: clinical testing. Allele origin: germline.

Labcorp Genetics (formerly Invitae), Labcorp
Classification: Likely pathogenic for Autosomal recessive limb-girdle muscular dystrophy type 2O; Muscular dystrophy-dystroglycanopathy (congenital with impaired intellectual development), type B, 3. Last evaluated: 2024-01-20. Review status: criteria provided, single submitter. Criteria: Invitae Variant Classification Sherloc (09022015). Collection method: clinical testing. Allele origin: germline.
Comment: This sequence change affects an acceptor splice site in intron 3 of the POMGNT1 gene. It is expected to disrupt RNA splicing. Variants that disrupt the donor or acceptor splice site typically lead to a loss of protein function (PMID: 16199547), and loss-of-function variants in POMGNT1 are known to be pathogenic (PMID: 19299310, 20816175, 21447391, 26908613, 27391550). This variant is not present in population databases (gnomAD no frequency). This variant has not been reported in the literature in individuals affected with POMGNT1-related conditions. ClinVar contains an entry for this variant (Variation ID: 370425). Algorithms developed to predict the effect of sequence changes on RNA splicing suggest that this variant may disrupt the consensus splice site. In summary, the currently available evidence indicates that the variant is pathogenic, but additional data are needed to prove that conclusively. Therefore, this variant has been classified as Likely Pathogenic.

Baylor Genetics
Classification: Likely pathogenic for Muscular dystrophy-dystroglycanopathy (congenital with brain and eye anomalies), type A3. Last evaluated: 2023-03-28. Review status: criteria provided, single submitter. Criteria: ACMG Guidelines, 2015. Collection method: clinical testing. Allele origin: unknown.

Counsyl
Classification: Likely pathogenic for Muscular dystrophy-dystroglycanopathy (congenital with brain and eye anomalies), type A3. Last evaluated: 2016-02-09. Review status: no assertion criteria provided. Collection method: clinical testing. Allele origin: unknown. Not counted in ClinVar's aggregate classification.

Literature cited by the submitters: PubMed 16199547 (cited by Labcorp Genetics (formerly Invitae), Labcorp); PubMed 19299310 (cited by Labcorp Genetics (formerly Invitae), Labcorp); PubMed 20816175 (cited by Labcorp Genetics (formerly Invitae), Labcorp); PubMed 21447391 (cited by Labcorp Genetics (formerly Invitae), Labcorp); PubMed 26908613 (cited by Labcorp Genetics (formerly Invitae), Labcorp); PubMed 27391550 (cited by Labcorp Genetics (formerly Invitae), Labcorp).

NM_017739.4(POMGNT1):c.236-1G>T

Gene: POMGNT1 (protein O-linked mannose N-acetylglucosaminyltransferase 1 (beta 1,2-); minus strand). Cytogenetic location: 1p34.1.
Variant type: single nucleotide variant.
Coding change: c.236-1G>T on transcript NM_017739.4 (MANE Select); the canonical splice acceptor site of the intron before coding-DNA position 236, G replaced by T.
Molecular consequence: splice acceptor variant.
Genome position (GRCh38, 1-based): chr1:46,196,850, C>A on the plus strand (G>T on the coding strand, the complement: POMGNT1 is on the minus strand). VCF-style: chr1-46196850-C-A. GRCh37 (hg19) VCF-style: chr1-46662522-C-A.
Other names: c.236-1G>T (NM_001243766.2, NM_001438686.1, NM_001438688.1 and 3 more transcripts); c.170-1G>T (NM_001290129.3, NM_001438691.1, NM_001438692.1); c.-194-1G>T (NM_001290130.2).
Identifiers: ClinVar variation 370425 (VCV000370425.15), dbSNP rs1057516477, ClinGen allele CA16040756.